The following is an entry in ClinVar:

ClinVar aggregate classification (germline): Uncertain significance (1 of 4 stars; one submission).

Conditions:
Familial adenomatous polyposis 1 (FAP1). Also called: FAMILIAL ADENOMATOUS POLYPOSIS 1, ATTENUATED; POLYPOSIS, ADENOMATOUS INTESTINAL. Identifiers: MedGen C2713442, MONDO:0021056, OMIM 175100. Disease mechanism: loss of function.

Submission:

Labcorp Genetics (formerly Invitae), Labcorp
Classification: Uncertain significance for Familial adenomatous polyposis 1. Last evaluated: 2021-06-05. Review status: criteria provided, single submitter. Criteria: Invitae Variant Classification Sherloc (09022015). Collection method: clinical testing. Allele origin: germline.
Comment: In summary, the available evidence is currently insufficient to determine the role of this variant in disease. Therefore, it has been classified as a Variant of Uncertain Significance. Algorithms developed to predict the effect of missense changes on protein structure and function output the following: SIFT: "Tolerated"; PolyPhen-2: "Benign"; Align-GVGD: "Class C0". The aspartic acid amino acid residue is found in multiple mammalian species, suggesting that this missense change does not adversely affect protein function. These predictions have not been confirmed by published functional studies and their clinical significance is uncertain. This variant has not been reported in the literature in individuals with APC-related conditions. This variant is not present in population databases (ExAC no frequency). This sequence change replaces glutamic acid with aspartic acid at codon 1209 of the APC protein (p.Glu1209Asp). The glutamic acid residue is moderately conserved and there is a small physicochemical difference between glutamic acid and aspartic acid.

NM_000038.6(APC):c.3627A>C (p.Glu1209Asp)

Gene: APC (APC regulator of Wnt signaling pathway; plus strand). Cytogenetic location: 5q22.2.
Variant type: single nucleotide variant.
Coding change: c.3627A>C on transcript NM_000038.6 (MANE Select); coding-DNA position 3627, A replaced by C.
Protein change: p.Glu1209Asp; replaces glutamic acid 1209 with aspartic acid.
Molecular consequence: missense variant.
Genome position (GRCh38, 1-based): chr5:112,839,221, A>C. VCF-style: chr5-112839221-A-C. GRCh37 (hg19) VCF-style: chr5-112174918-A-C.
Other names: c.3627A>C, p.Glu1209Asp (NM_001127510.3, NM_001354895.2); c.3573A>C, p.Glu1191Asp (NM_001127511.3); c.3681A>C, p.Glu1227Asp (NM_001354896.2); c.3657A>C, p.Glu1219Asp (NM_001354897.2); c.3552A>C, p.Glu1184Asp (NM_001354898.2); c.3543A>C, p.Glu1181Asp (NM_001354899.2); c.3504A>C, p.Glu1168Asp (NM_001354900.2); c.3450A>C, p.Glu1150Asp (NM_001354901.2); and 5 more; short protein forms E1049D, E1168D, E1181D, E1108D, E1209D, E1219D, E1118D, E1191D.
Identifiers: ClinVar variation 1359056 (VCV001359056.8), dbSNP rs1765478583, ClinGen allele CA16029298.